The following is an entry in ClinVar:

ClinVar aggregate classification (germline): Uncertain significance (1 of 4 stars; one submission).

Allele frequency attached by ClinVar (database versions not stated): ExAC 0.00001.
gnomAD v4.1: 1 of 1,612,448 alleles (0.000062%); highest among the groups gnomAD compares: Non-Finnish European, 0.000085%; no homozygotes.

Submission:

Labcorp Genetics (formerly Invitae), Labcorp
Classification: Uncertain significance. Last evaluated: 2023-07-03. Review status: criteria provided, single submitter. Criteria: Invitae Variant Classification Sherloc (09022015). Collection method: clinical testing. Allele origin: germline.
Comment: Variants that disrupt the consensus splice site are a relatively common cause of aberrant splicing (PMID: 17576681, 9536098). Algorithms developed to predict the effect of sequence changes on RNA splicing suggest that this variant is not likely to affect RNA splicing. This variant has not been reported in the literature in individuals affected with ITGB4-related conditions. This variant is present in population databases (rs754607957, gnomAD 0.0009%). This sequence change falls in intron 2 of the ITGB4 gene. It does not directly change the encoded amino acid sequence of the ITGB4 protein. It affects a nucleotide within the consensus splice site. In summary, the available evidence is currently insufficient to determine the role of this variant in disease. Therefore, it has been classified as a Variant of Uncertain Significance.

Literature cited by the submitters: PubMed 17576681; PubMed 9536098.

NM_000213.5(ITGB4):c.79+6T>C

Gene: ITGB4 (integrin subunit beta 4; plus strand). Cytogenetic location: 17q25.1.
Variant type: single nucleotide variant.
Coding change: c.79+6T>C on transcript NM_000213.5 (MANE Select); 6 bases into the intron after coding-DNA position 79, T replaced by C.
Molecular consequence: intron variant.
Genome position (GRCh38, 1-based): chr17:75,724,788, T>C. VCF-style: chr17-75724788-T-C. GRCh37 (hg19) VCF-style: chr17-73720868-T-C.
Other names: c.79+6T>C (NM_001005619.2, NM_001005731.3, NM_001438834.1 and 1 more transcripts).
Identifiers: ClinVar variation 2776251 (VCV002776251.3), dbSNP rs754607957, ClinGen allele CA8768524.
Genomic context (GRCh38, chr17:75,724,788, plus strand): 5'-TGGGCCAGGCTGCTCCTGGCAGCCTTGATCAGCGTCAGCCTCTCTGGGACCTTGGGTGAG[T>C]CCACGTTGCCCTGCAGCCCCCTCCTGGCAGGATCATCCCTTGGGCAGGCATTGCCCTTGC-3'